The following is an entry in ClinVar:

NM_017739.4(POMGNT1):c.1838G>A (p.Arg613Lys)

Genes: POMGNT1 (protein O-linked mannose N-acetylglucosaminyltransferase 1 (beta 1,2-); minus strand), TSPAN1 (tetraspanin 1; plus strand). Cytogenetic location: 1p34.1.
Variant type: single nucleotide variant.
Coding change: c.1838G>A on transcript NM_017739.4 (MANE Select); coding-DNA position 1838, G replaced by A.
Protein change: p.Arg613Lys; replaces arginine 613 with lysine.
Molecular consequence: missense variant.
Genome position (GRCh38, 1-based): chr1:46,189,515, C>T on the plus strand (G>A on the coding strand, the complement: POMGNT1 is on the minus strand). VCF-style: chr1-46189515-C-T. GRCh37 (hg19) VCF-style: chr1-46655187-C-T.
Other names: c.1838G>A, p.Arg613Lys (NM_001243766.2, NM_001410783.1); c.1772G>A, p.Arg591Lys (NM_001290129.3); c.1409G>A, p.Arg470Lys (NM_001290130.2); short protein forms R470K, R591K, R613K.
Identifiers: ClinVar variation 2430351 (VCV002430351.3), dbSNP rs764271873, ClinGen allele CA833217.
Genomic context (GRCh38, chr1:46,189,515, plus strand): 5'-CACGAGTAGGGGGAAGCCGGGACCCCCACCATCAGGAAGTGGTTCTTCTTCCGAAACAAT[C>T]TCCACAGGCCCCGATGGTTGCCACGCACATCCAGGTCCCAGATATGGAGGCACTAGTGAG-3'
Protein context (NP_060209.4, residues 603-623): DVRGNHRGLW[Arg613Lys]LFRKKNHFLM

ClinVar aggregate classification (germline): Conflicting classifications of pathogenicity. Review status: criteria provided, conflicting classifications (1 of 4 stars). 2 submissions from 2 submitters: Likely pathogenic (1); Uncertain significance (1). Last evaluated 2022-11-14.

Conditions:
POMGNT1-related disorder. Also called: POMGNT1-related disorders; POMGNT1-related condition. Identifiers: MedGen CN239299.
Phenylketonuria (PKU). Also called: OLIGOPHRENIA PHENYLPYRUVICA; Phenylketonurias; Phenylketonuria (PKU); FOLLING DISEASE. Identifiers: Orphanet 716, MedGen C0031485, MONDO:0009861, OMIM 261600. Disease mechanism: loss of function.

Allele frequency attached by ClinVar (database versions not stated): ExAC 0.00001; gnomAD exomes below 0.00001.
gnomAD v4.1: 4 of 1,613,644 alleles (0.00025%); highest among the groups gnomAD compares: South Asian, 0.0044%; no homozygotes.

Submissions (2):

Centre of Medical Genetics, University Hospital Muenster
Classification: Uncertain significance for Phenylketonuria. Last evaluated: 2022-11-14. Review status: criteria provided, single submitter. Criteria: ACMG Guidelines, 2015. Collection method: clinical testing. Allele origin: unknown. Affected: yes. Observed: 1 variant allele, 1 homozygote.
Comment: ACMG categories: PM1,PM2,PP3

Blueprint Genetics
Classification: Likely pathogenic for POMGNT1-related disorders. Last evaluated: 2021-08-25. Review status: criteria provided, single submitter. Criteria: ACMG Guidelines, 2015. Collection method: clinical testing. Allele origin: germline. Affected: yes. Observed: 3 variant alleles.